The following is an entry in ClinVar:

NM_145691.4(ATPAF2):c.504A>G (p.Arg168=)

Gene: ATPAF2 (ATP synthase mitochondrial F1 complex assembly factor 2; minus strand). Cytogenetic location: 17p11.2.
Variant type: single nucleotide variant.
Coding change: c.504A>G on transcript NM_145691.4 (MANE Select); coding-DNA position 504, A replaced by G.
Protein change: p.Arg168=; no amino-acid change (arginine 168 retained).
Molecular consequence: synonymous variant.
Genome position (GRCh38, 1-based): chr17:18,021,857, T>C on the plus strand (A>G on the coding strand, the complement: ATPAF2 is on the minus strand). VCF-style: chr17-18021857-T-C. GRCh37 (hg19) VCF-style: chr17-17925171-T-C.
Other names: c.504A>G (NM_145691.3).
Identifiers: ClinVar variation 1943327 (VCV001943327.6), dbSNP rs1008083351, ClinGen allele CA288408954.

ClinVar aggregate classification (germline): Conflicting classifications of pathogenicity. Review status: criteria provided, conflicting classifications (1 of 4 stars). 2 submissions from 2 submitters: Uncertain significance (1); Likely benign (1). Last evaluated 2026-01-26.

Allele frequency attached by ClinVar (database versions not stated): gnomAD 0.00001; gnomAD exomes 0.00001; TOPMed 0.00004.
gnomAD v4.1: 10 of 1,613,684 alleles (0.00062%); highest among the groups gnomAD compares: East Asian, 0.02%; no homozygotes.

Submissions (2):

Labcorp Genetics (formerly Invitae), Labcorp
Classification: Uncertain significance. Last evaluated: 2026-01-26. Review status: criteria provided, single submitter. Criteria: Invitae Variant Classification Sherloc (09022015). Collection method: clinical testing. Allele origin: germline.
Comment: This sequence change affects codon 168 of the ATPAF2 mRNA. It is a 'silent' change, meaning that it does not change the encoded amino acid sequence of the ATPAF2 protein. It affects a nucleotide within the consensus splice site. This variant is present in population databases (no rsID available, gnomAD 0.03%). This variant has not been reported in the literature in individuals affected with ATPAF2-related conditions. ClinVar contains an entry for this variant (Variation ID: 1943327). Algorithms developed to predict the effect of sequence changes on RNA splicing suggest that this variant is not likely to affect RNA splicing. In summary, the available evidence is currently insufficient to determine the role of this variant in disease. Therefore, it has been classified as a Variant of Uncertain Significance.

Ambry Genetics
Classification: Likely benign. Last evaluated: 2025-08-01. Review status: criteria provided, single submitter. Criteria: Ambry Variant Classification Scheme 2023. Collection method: clinical testing. Allele origin: germline.